The following is an entry in ClinVar:

NM_052945.4(TNFRSF13C):c.128C>T (p.Pro43Leu)

Genes: TNFRSF13C (TNF receptor superfamily member 13C; minus strand), LOC130067574 (ATAC-STARR-seq lymphoblastoid silent region 13813; plus strand). Cytogenetic location: 22q13.2.
Variant type: single nucleotide variant.
Coding change: c.128C>T on transcript NM_052945.4 (MANE Select); coding-DNA position 128, C replaced by T.
Protein change: p.Pro43Leu; replaces proline 43 with leucine.
Molecular consequence: missense variant.
Genome position (GRCh38, 1-based): chr22:41,926,646, G>A on the plus strand (C>T on the coding strand, the complement: TNFRSF13C is on the minus strand). VCF-style: chr22-41926646-G-A. GRCh37 (hg19) VCF-style: chr22-42322650-G-A.
Other names: short protein forms P43L.
Identifiers: ClinVar variation 1504967 (VCV001504967.8), dbSNP rs2077634246, ClinGen allele CA411763490.
Genomic context (GRCh38, chr22:41,926,646, plus strand): 5'-CCCCGTTCTCCCCGCAGCTGCCGGCGCCGCGCGCCCCGTGGGTCCCCCTTACCCGGTTTC[G>A]GCCGCGGCGTGCGCAGGAGCCCGCAGGCCACGCAGTGGCGGACCAGCAGGTCGAAGCACT-3'
Protein context (NP_443177.1, residues 33-53): VACGLLRTPR[Pro43Leu]KPAGASSPAP

ClinVar aggregate classification (germline): Uncertain significance (1 of 4 stars; one submission).

Conditions:
Immunodeficiency, common variable, 4. Also called: ANTIBODY DEFICIENCY DUE TO BAFFR DEFECT. Identifiers: Orphanet 1572, Orphanet 696925, MedGen C3150739, MONDO:0013284, OMIM 613494.

Allele frequency attached by ClinVar (database versions not stated): TOPMed below 0.00001.

Submission:

Labcorp Genetics (formerly Invitae), Labcorp
Classification: Uncertain significance for Immunodeficiency, common variable, 4. Last evaluated: 2021-01-28. Review status: criteria provided, single submitter. Criteria: Invitae Variant Classification Sherloc (09022015). Collection method: clinical testing. Allele origin: germline.
Comment: In summary, the available evidence is currently insufficient to determine the role of this variant in disease. Therefore, it has been classified as a Variant of Uncertain Significance. Algorithms developed to predict the effect of missense changes on protein structure and function are either unavailable or do not agree on the potential impact of this missense change (SIFT: "Deleterious"; PolyPhen-2: "Possibly Damaging"; Align-GVGD: "Class C0"). This variant has not been reported in the literature in individuals with TNFRSF13C-related conditions. The frequency data for this variant in the population databases is considered unreliable, as metrics indicate insufficient coverage at this position in the ExAC database. This sequence change replaces proline with leucine at codon 43 of the TNFRSF13C protein (p.Pro43Leu). The proline residue is moderately conserved and there is a moderate physicochemical difference between proline and leucine.